The following is an entry in ClinVar:

ClinVar aggregate classification (germline): Uncertain significance (1 of 4 stars; one submission).

Conditions:
Retinitis pigmentosa 59 (RP59). Identifiers: Orphanet 791, MedGen C3151227, MONDO:0013468, OMIM 613861.

Allele frequency attached by ClinVar (database versions not stated): gnomAD exomes below 0.00001.

Submission:

Labcorp Genetics (formerly Invitae), Labcorp
Classification: Uncertain significance for Retinitis pigmentosa 59. Last evaluated: 2023-12-20. Review status: criteria provided, single submitter. Criteria: Invitae Variant Classification Sherloc (09022015). Collection method: clinical testing. Allele origin: germline.
Comment: This sequence change replaces serine, which is neutral and polar, with leucine, which is neutral and non-polar, at codon 52 of the DHDDS protein (p.Ser52Leu). This variant is not present in population databases (gnomAD no frequency). This variant has not been reported in the literature in individuals affected with DHDDS-related conditions. Advanced modeling of protein sequence and biophysical properties (such as structural, functional, and spatial information, amino acid conservation, physicochemical variation, residue mobility, and thermodynamic stability) performed at Invitae indicates that this missense variant is not expected to disrupt DHDDS protein function with a negative predictive value of 80%. In summary, the available evidence is currently insufficient to determine the role of this variant in disease. Therefore, it has been classified as a Variant of Uncertain Significance.

NM_205861.3(DHDDS):c.155C>T (p.Ser52Leu)

Gene: DHDDS (dehydrodolichyl diphosphate synthase subunit; plus strand). Cytogenetic location: 1p36.11.
Variant type: single nucleotide variant.
Coding change: c.155C>T on transcript NM_205861.3 (MANE Select); coding-DNA position 155, C replaced by T.
Protein change: p.Ser52Leu; replaces serine 52 with leucine.
Molecular consequence: missense variant. On other transcripts: 5 prime UTR variant (1).
Genome position (GRCh38, 1-based): chr1:26,438,259, C>T. VCF-style: chr1-26438259-C-T. GRCh37 (hg19) VCF-style: chr1-26764750-C-T.
Other names: c.155C>T, p.Ser52Leu (NM_001243564.2, NM_001243565.2, NM_024887.4); c.-148C>T (NM_001319959.2); short protein forms S52L.
Identifiers: ClinVar variation 2905977 (VCV002905977.3), dbSNP rs200121877, ClinGen allele CA19769809.
Genomic context (GRCh38, chr1:26,438,259, plus strand): 5'-TAATGGACGGGAACCGTCGCTATGCCAAGAAGTGCCAGGTGGAGCGGCAGGAAGGCCACT[C>T]ACAGGGCTTCAACAAGCTAGCTGAGGTGGGTGTGTATGGCAGAGCCCAAAGTGAACAGTC-3'
Protein context (NP_995583.1, residues 42-62): KCQVERQEGH[Ser52Leu]QGFNKLAETL